The following is an entry in ClinVar:

NM_005529.7(HSPG2):c.744_745inv (p.Val249Met)

Gene: HSPG2 (heparan sulfate proteoglycan 2; minus strand). Cytogenetic location: 1p36.12.
Variant type: Inversion.
Coding change: c.744_745inv on transcript NM_005529.7 (MANE Select).
Protein change: p.Val249Met; replaces valine 249 with methionine.
Molecular consequence: missense variant.
Genome position: GRCh38 VCF-style: chr1-21887633-CA-TG. GRCh37 (hg19) VCF-style: chr1-22214126-CA-TG.
Other names: c.744_745inv, p.Val249Met (NM_001291860.2); c.744_745delinsCA (NM_005529.6); short protein forms V249M.
Identifiers: ClinVar variation 559385 (VCV000559385.16), ClinGen allele CA658820994.
Genomic context (GRCh38, chr1:21,887,633, plus strand): 5'-TGACTGGTGGCTGTCGCATGATGGTTGTCTCTGGCCGGGGCGGTAAAGATGTCGTCTCCA[CA>TG]AGGAGAGAGAATGTGGGGCTGATACCCAGGACTGGCTCCTCTGTGGATAGATTCCGCTTG-3'
Protein context (NP_005520.4, residues 239-259): LGISPTFSLL[Val249Met]ETTSLPPRPE

ClinVar aggregate classification (germline): Conflicting classifications of pathogenicity. Review status: criteria provided, conflicting classifications (1 of 4 stars). 3 submissions from 3 submitters: Uncertain significance (1); Likely benign (2). Last evaluated 2025-09-13.

Submissions (3):

Labcorp Genetics (formerly Invitae), Labcorp
Classification: Likely benign. Last evaluated: 2025-09-13. Review status: criteria provided, single submitter. Criteria: Invitae Variant Classification Sherloc (09022015). Collection method: clinical testing. Allele origin: germline.

Athena Diagnostics
Classification: Likely benign. Last evaluated: 2024-12-30. Review status: criteria provided, single submitter. Criteria: Athena Diagnostics Criteria. Collection method: clinical testing. Allele origin: unknown.
Comment: The frequency of this variant in the general population is higher than would generally be expected for pathogenic variants in this gene. Computational tools predict this amino acid change may be benign.

ARUP Laboratories, Molecular Genetics and Genomics, ARUP Laboratories
Classification: Uncertain significance. Last evaluated: 2017-01-30. Review status: criteria provided, single submitter. Criteria: ARUP Molecular Germline Variant Investigation Process. Collection method: clinical testing. Allele origin: germline.